The following is an entry in ClinVar:

NM_001001557.4(GDF6):c.*165C>T

Gene: GDF6 (growth differentiation factor 6; minus strand). Cytogenetic location: 8q22.1.
Variant type: single nucleotide variant.
Coding change: c.*165C>T on transcript NM_001001557.4 (MANE Select); 165 bases downstream of the stop codon, C replaced by T.
Molecular consequence: 3 prime UTR variant.
Genome position (GRCh38, 1-based): chr8:96,144,398, G>A on the plus strand (C>T on the coding strand, the complement: GDF6 is on the minus strand). VCF-style: chr8-96144398-G-A. GRCh37 (hg19) VCF-style: chr8-97156626-G-A.
Identifiers: ClinVar variation 364038 (VCV000364038.5), dbSNP rs117125307, ClinGen allele CA10631834.
Genomic context (GRCh38, chr8:96,144,398, plus strand): 5'-CAGGCAAGGTGTGAAAATCCATATTTCCCTCTGGGCTGGCAGGTAGAAGTTACTGGGAAG[G>A]CTGCGCTCCCTTCTCTCCCACCGGCTCTCACATCCAGGCTGTTCCCTCACCCTCAGCCTC-3'

ClinVar aggregate classification (germline): Benign (1 of 4 stars; one submission).

Conditions:
Klippel-Feil syndrome 1, autosomal dominant (KFS1). Also called: CERVICAL VERTEBRAL FUSION, AUTOSOMAL DOMINANT. Identifiers: Orphanet 2345, MedGen C1861689, MONDO:0007306, OMIM 118100.

Allele frequency attached by ClinVar (database versions not stated): gnomAD 0.00088 and 0.00156; TOPMed 0.00124; 1000 Genomes Project 30x 0.00562; 1000 Genomes Project 0.00699.
gnomAD v4.1: 2,862 of 760,474 alleles (0.38%); highest among the groups gnomAD compares: East Asian, 7.1%; 141 homozygotes.

Submission:

Illumina Laboratory Services, Illumina
Classification: Benign for Klippel-Feil syndrome 1, autosomal dominant. Last evaluated: 2018-01-13. Review status: criteria provided, single submitter. Criteria: ICSL Variant Classification Criteria 13 December 2019. Collection method: clinical testing. Allele origin: germline.
Comment: This variant was observed in the ICSL laboratory as part of a predisposition screen in an ostensibly healthy population. It had not been previously curated by ICSL or reported in the Human Gene Mutation Database (HGMD: prior to June 1st, 2018), and was therefore a candidate for classification through an automated scoring system. Utilizing variant allele frequency, disease prevalence and penetrance estimates, and inheritance mode, an automated score was calculated to assess if this variant is too frequent to cause the disease. Based on the score and internal cut-off values, a variant classified as benign is not then subjected to further curation. The score for this variant resulted in a classification of benign for this disease.